The following is an entry in ClinVar:

ClinVar aggregate classification (germline): Uncertain significance. Review status: criteria provided, single submitter (1 of 4 stars). 2 submissions from 2 submitters: Uncertain significance (1). 1 of the submissions does not count toward it. Last evaluated 2026-01-12.

Conditions:
NUP160-related disorder. Also called: NUP160-related condition.

Allele frequency attached by ClinVar (database versions not stated): TOPMed 0.00068; gnomAD 0.00072; ExAC 0.00084; ESP Exome Variant Server 0.00085; gnomAD exomes 0.00101.
gnomAD v4.1: 1,568 of 1,613,180 alleles (0.097%); highest among the groups gnomAD compares: Non-Finnish European, 0.13%; 3 homozygotes.

Submissions (2):

Labcorp Genetics (formerly Invitae), Labcorp
Classification: Uncertain significance. Last evaluated: 2026-01-12. Review status: criteria provided, single submitter. Criteria: Invitae Variant Classification Sherloc (09022015). Collection method: clinical testing. Allele origin: germline.
Comment: This sequence change replaces alanine, which is neutral and non-polar, with threonine, which is neutral and polar, at codon 784 of the NUP160 protein (p.Ala784Thr). This variant is present in population databases (rs138083274, gnomAD 0.2%), and has an allele count higher than expected for a pathogenic variant. This variant has not been reported in the literature in individuals affected with NUP160-related conditions. ClinVar contains an entry for this variant (Variation ID: 2060081). An algorithm developed to predict the effect of missense changes on protein structure and function (PolyPhen-2) suggests that this variant is likely to be tolerated. In summary, the available evidence is currently insufficient to determine the role of this variant in disease. Therefore, it has been classified as a Variant of Uncertain Significance.

PreventionGenetics, part of Exact Sciences
Classification: Likely benign for NUP160-related condition. Last evaluated: 2022-12-19. Review status: no assertion criteria provided. Collection method: clinical testing. Allele origin: germline. Not counted in ClinVar's aggregate classification.
Comment: This variant is classified as likely benign based on ACMG/AMP sequence variant interpretation guidelines (Richards et al. 2015 PMID: 25741868, with internal and published modifications).

NM_015231.3(NUP160):c.2248G>A (p.Ala750Thr)

Gene: NUP160 (nucleoporin 160; minus strand). Cytogenetic location: 11p11.2.
Variant type: single nucleotide variant.
Coding change: c.2248G>A on transcript NM_015231.3 (MANE Select); coding-DNA position 2248, G replaced by A.
Protein change: p.Ala750Thr; replaces alanine 750 with threonine.
Molecular consequence: missense variant. On other transcripts: non-coding transcript variant (1).
Genome position (GRCh38, 1-based): chr11:47,808,421, C>T on the plus strand (G>A on the coding strand, the complement: NUP160 is on the minus strand). VCF-style: chr11-47808421-C-T. GRCh37 (hg19) VCF-style: chr11-47829973-C-T.
Other names: c.2350G>A (NM_015231.2); short protein forms A750T.
Identifiers: ClinVar variation 2060081 (VCV002060081.6), dbSNP rs138083274, ClinGen allele CA5981052.
Genomic context (GRCh38, chr11:47,808,421, plus strand): 5'-TTTACATTTTAAATAATTGGGATAATGAAACTCACAGTGTGTCAAGTGGAACATCAGTTG[C>T]CAAGCACTCACTTCCCCATTTAATGAGGTAATAAGATAAGAGTAGGGGAGCTGTTCGATG-3'
Protein context (NP_056046.2, residues 740-760): YLIKWGSECL[Ala750Thr]TDVPLDTLES